The following is an entry in ClinVar:

NM_000722.4(CACNA2D1):c.1038+276T>G

Gene: CACNA2D1 (calcium voltage-gated channel auxiliary subunit alpha2delta 1; minus strand). Cytogenetic location: 7q21.11.
Variant type: single nucleotide variant.
Coding change: c.1038+276T>G on transcript NM_000722.4 (MANE Select); 276 bases into the intron after coding-DNA position 1038, T replaced by G.
Molecular consequence: intron variant.
Genome position (GRCh38, 1-based): chr7:82,037,801, A>C on the plus strand (T>G on the coding strand, the complement: CACNA2D1 is on the minus strand). VCF-style: chr7-82037801-A-C. GRCh37 (hg19) VCF-style: chr7-81667117-A-C.
Other names: c.1038+276T>G (NM_001366867.1).
Identifiers: ClinVar variation 683280 (VCV000683280.1), dbSNP rs879660, ClinGen allele CA15511163.

ClinVar aggregate classification (germline): Benign (1 of 4 stars; one submission).

Allele frequency attached by ClinVar (database versions not stated): 1000 Genomes Project 0.44748; 1000 Genomes Project 30x 0.43973; TOPMed 0.46788; gnomAD 0.50495.
gnomAD v4.1: 74,257 of 152,056 alleles (49%); highest among the groups gnomAD compares: Non-Finnish European, 61%; 20,639 homozygotes.

Submission:

GeneDx
Classification: Benign. Last evaluated: 2018-06-14. Review status: criteria provided, single submitter. Criteria: GeneDx Variant Classification (06012015). Collection method: clinical testing. Allele origin: germline. Affected: yes.
Comment: This variant is considered likely benign or benign based on one or more of the following criteria: it is a conservative change, it occurs at a poorly conserved position in the protein, it is predicted to be benign by multiple in silico algorithms, and/or has population frequency not consistent with disease.